The following is an entry in ClinVar:

NM_005732.4(RAD50):c.3731C>T (p.Ser1244Phe)

Genes: RAD50 (RAD50 double strand break repair protein; plus strand), TH2-LCR (Th2 cytokine locus control region; plus strand), TH2LCRR (T helper type 2 locus control region associated RNA; minus strand). Cytogenetic location: 5q31.1.
Variant type: single nucleotide variant.
Coding change: c.3731C>T on transcript NM_005732.4 (MANE Select); coding-DNA position 3731, C replaced by T.
Protein change: p.Ser1244Phe; replaces serine 1244 with phenylalanine.
Molecular consequence: missense variant.
Genome position (GRCh38, 1-based): chr5:132,640,784, C>T. VCF-style: chr5-132640784-C-T. GRCh37 (hg19) VCF-style: chr5-131976476-C-T.
Other names: short protein forms S1244F.
Identifiers: ClinVar variation 5027743 (VCV005027743.1).

ClinVar aggregate classification (germline): Uncertain significance (1 of 4 stars; one submission).

Conditions:
Hereditary cancer-predisposing syndrome. Also called: Neoplastic Syndromes, Hereditary; Tumor predisposition; Hereditary neoplastic syndrome; Hereditary Cancer Syndrome. Identifiers: Orphanet 140162, MedGen C0027672, MeSH D009386, MONDO:0015356.

Submission:

Ambry Genetics
Classification: Uncertain significance for Hereditary cancer-predisposing syndrome. Last evaluated: 2026-09-01. Review status: criteria provided, single submitter. Criteria: Ambry Variant Classification Scheme 2023. Collection method: clinical testing. Allele origin: germline.
Comment: The p.S1244F variant (also known as c.3731C>T), located in coding exon 24 of the RAD50 gene, results from a C to T substitution at nucleotide position 3731. The serine at codon 1244 is replaced by phenylalanine, an amino acid with highly dissimilar properties. This amino acid position is conserved. In addition, this alteration is predicted to be tolerated by in silico analysis. Based on the available evidence, the clinical significance of this variant remains unclear.